The following is an entry in ClinVar:

NM_001144952.2(SDK2):c.613+8C>T

Gene: SDK2 (sidekick cell adhesion molecule 2; minus strand). Cytogenetic location: 17q25.1.
Variant type: single nucleotide variant.
Coding change: c.613+8C>T on transcript NM_001144952.2 (MANE Select); 8 bases into the intron after coding-DNA position 613, C replaced by T.
Molecular consequence: intron variant.
Genome position (GRCh38, 1-based): chr17:73,447,607, G>A on the plus strand (C>T on the coding strand, the complement: SDK2 is on the minus strand). VCF-style: chr17-73447607-G-A. GRCh37 (hg19) VCF-style: chr17-71443746-G-A.
Identifiers: ClinVar variation 3037197 (VCV003037197.2), dbSNP rs192088977, ClinGen allele CA8744073.

ClinVar aggregate classification (germline): Likely benign (0 of 4 stars; one submission).

Conditions:
SDK2-related disorder. Also called: SDK2-related condition.

Allele frequency attached by ClinVar (database versions not stated): 1000 Genomes Project 30x 0.00016; 1000 Genomes Project 0.00020; ExAC 0.00041; TOPMed 0.00062; gnomAD 0.00069; ESP Exome Variant Server 0.00088; gnomAD exomes 0.00107.
gnomAD v4.1: 1,600 of 1,551,898 alleles (0.1%); highest among the groups gnomAD compares: Non-Finnish European, 0.13%; no homozygotes.

Submission:

PreventionGenetics, part of Exact Sciences
Classification: Likely benign for SDK2-related condition. Last evaluated: 2019-05-04. Review status: no assertion criteria provided. Collection method: clinical testing. Allele origin: germline.
Comment: This variant is classified as likely benign based on ACMG/AMP sequence variant interpretation guidelines (Richards et al. 2015 PMID: 25741868, with internal and published modifications).